The following is an entry in ClinVar:

NM_001244926.2(PRPF4):c.655-10del

Gene: PRPF4 (pre-mRNA splicing tri-snRNP complex factor PRPF4; plus strand). Cytogenetic location: 9q32.
Variant type: Deletion.
Coding change: c.655-10del on transcript NM_001244926.2 (MANE Select); 10 bases into the intron before coding-DNA position 655, one base deleted (T; older notation c.655-10delT).
Molecular consequence: intron variant.
Genome position (GRCh38, 1-based): chr9:113,284,285, T deleted; the last of 8 consecutive T bases (chr9:113,284,278-113,284,285); deleting any one gives the same sequence. VCF-style (leftmost placement, unchanged base first): chr9-113284277-AT-A. GRCh37 (hg19) VCF-style: chr9-116046557-AT-A.
Other names: c.658-10delT (NM_004697.4); c.-111-10del (NM_001322267.2, NM_001322266.2); c.658-10del (NM_004697.5).
Identifiers: ClinVar variation 1165897 (VCV001165897.12), dbSNP rs551961632, ClinGen allele CA5194966.

ClinVar aggregate classification (germline): Benign/Likely benign. Review status: criteria provided, multiple submitters, no conflicts (2 of 4 stars). 3 submissions from 3 submitters: Benign (1); Likely benign (1). 1 of the submissions does not count toward it. Last evaluated 2026-01-13.

Conditions:
PRPF4-related disorder. Also called: PRPF4-related condition.

Submissions (3):

Labcorp Genetics (formerly Invitae), Labcorp
Classification: Benign. Last evaluated: 2026-01-13. Review status: criteria provided, single submitter. Criteria: Invitae Variant Classification Sherloc (09022015). Collection method: clinical testing. Allele origin: germline.

Blueprint Genetics
Classification: Likely benign. Last evaluated: 2023-05-02. Review status: criteria provided, single submitter. Criteria: ACMG Guidelines, 2015. Collection method: clinical testing. Allele origin: germline.

PreventionGenetics, part of Exact Sciences
Classification: Likely benign for PRPF4-related condition. Last evaluated: 2019-02-25. Review status: no assertion criteria provided. Collection method: clinical testing. Allele origin: germline. Not counted in ClinVar's aggregate classification.
Comment: This variant is classified as likely benign based on ACMG/AMP sequence variant interpretation guidelines (Richards et al. 2015 PMID: 25741868, with internal and published modifications).